The following is an entry in ClinVar:

ClinVar aggregate classification (germline): Uncertain significance (1 of 4 stars; one submission).

Submission:

GeneDx
Classification: Uncertain significance. Last evaluated: 2023-02-08. Review status: criteria provided, single submitter. Criteria: GeneDx Variant Classification Process June 2021. Collection method: clinical testing. Allele origin: germline. Affected: yes.
Comment: Not observed at significant frequency in large population cohorts (gnomAD); In silico analysis supports that this missense variant does not alter protein structure/function; Has not been previously published as pathogenic or benign to our knowledge

NM_001127644.2(GABRA1):c.1298T>A (p.Ile433Asn)

Gene: GABRA1 (gamma-aminobutyric acid type A receptor subunit alpha1; plus strand). Cytogenetic location: 5q34.
Variant type: single nucleotide variant.
Coding change: c.1298T>A on transcript NM_001127644.2 (MANE Select); coding-DNA position 1298, T replaced by A.
Protein change: p.Ile433Asn; replaces isoleucine 433 with asparagine.
Molecular consequence: missense variant.
Genome position (GRCh38, 1-based): chr5:161,897,349, T>A. VCF-style: chr5-161897349-T-A. GRCh37 (hg19) VCF-style: chr5-161324355-T-A.
Other names: c.1298T>A, p.Ile433Asn (NM_000806.5, NM_001127643.2, NM_001127645.2 and 1 more transcripts); short protein forms I433N.
Identifiers: ClinVar variation 2575769 (VCV002575769.1), dbSNP rs2532296668, ClinGen allele CA362181260.